The following is an entry in ClinVar:

NM_033026.6(PCLO):c.10555C>G (p.Gln3519Glu)

Gene: PCLO (piccolo presynaptic cytomatrix protein; minus strand). Cytogenetic location: 7q21.11.
Variant type: single nucleotide variant.
Coding change: c.10555C>G on transcript NM_033026.6 (MANE Select); coding-DNA position 10555, C replaced by G.
Protein change: p.Gln3519Glu; replaces glutamine 3519 with glutamic acid.
Molecular consequence: missense variant.
Genome position (GRCh38, 1-based): chr7:82,950,033, G>C on the plus strand (C>G on the coding strand, the complement: PCLO is on the minus strand). VCF-style: chr7-82950033-G-C. GRCh37 (hg19) VCF-style: chr7-82579349-G-C.
Other names: c.10555C>G, p.Gln3519Glu (NM_014510.3); short protein forms Q3519E.
Identifiers: ClinVar variation 1366695 (VCV001366695.6), dbSNP rs1453590213, ClinGen allele CA367902923.
Genomic context (GRCh38, chr7:82,950,033, plus strand): 5'-TGGAGGGTGTTCTTATGGTTCCAACTGGTTCAGTTTGCACAGATATCTCTGCTACCGTTT[G>C]AACTGCTATGCTGGAGACTTTGGAAAGGGGTTTGGTCTTGTCAGCCTCTGTCATGCTGTC-3'
Protein context (NP_149015.2, residues 3509-3529): PLSKVSSIAV[Gln3519Glu]TVAEISVQTE

ClinVar aggregate classification (germline): Uncertain significance (1 of 4 stars; one submission).

Allele frequency attached by ClinVar (database versions not stated): TOPMed below 0.00001; gnomAD 0.00001.

Submission:

Labcorp Genetics (formerly Invitae), Labcorp
Classification: Uncertain significance. Last evaluated: 2021-09-10. Review status: criteria provided, single submitter. Criteria: Invitae Variant Classification Sherloc (09022015). Collection method: clinical testing. Allele origin: germline.
Comment: This sequence change replaces glutamine with glutamic acid at codon 3519 of the PCLO protein (p.Gln3519Glu). The glutamine residue is highly conserved and there is a small physicochemical difference between glutamine and glutamic acid. This variant is not present in population databases (ExAC no frequency). This variant has not been reported in the literature in individuals affected with PCLO-related conditions. Algorithms developed to predict the effect of missense changes on protein structure and function are either unavailable or do not agree on the potential impact of this missense change (SIFT: "Deleterious"; PolyPhen-2: "Not Available"; Align-GVGD: "Class C0"). In summary, the available evidence is currently insufficient to determine the role of this variant in disease. Therefore, it has been classified as a Variant of Uncertain Significance.